The following is an entry in ClinVar:

NM_014797.3(ZBTB24):c.1005dup (p.Ser336fs)

Gene: ZBTB24 (zinc finger and BTB domain containing 24; minus strand). Cytogenetic location: 6q21.
Variant type: Duplication.
Coding change: c.1005dup on transcript NM_014797.3 (MANE Select); coding-DNA position 1005, one base duplicated (C; older notation c.1005dupC).
Protein change: p.Ser336fs; shifts the reading frame from serine 336.
Molecular consequence: frameshift variant.
Genome position (GRCh38, 1-based): chr6:109,476,878, G duplicated on the plus strand (C on the coding strand, the reverse complement: ZBTB24 is on the minus strand). VCF-style (leftmost placement, unchanged base first): chr6-109476877-A-AG. GRCh37 (hg19) VCF-style: chr6-109798080-A-AG.
Other names: short protein forms S336fs.
Identifiers: ClinVar variation 4807867 (VCV004807867.1).
Genomic context (GRCh38, chr6:109,476,877, plus strand): 5'-TGCACACGGTGCAGGTGTACGGCCGCTCGCCTGTGTGCATCCTGGTGTGGACCTGTAGCG[A>AG]GTGCTTCTGGGCAAAGCCTTTTCCACACTCATTACATTTGAAAGGTCGCTCCCCTGGAAG-3'

ClinVar aggregate classification (germline): Pathogenic (1 of 4 stars; one submission).

Conditions:
Immunodeficiency-centromeric instability-facial anomalies syndrome 2 (ICF2). Identifiers: Orphanet 2268, MedGen C3279748, MONDO:0013553, OMIM 614069.

Submission:

Labcorp Genetics (formerly Invitae), Labcorp
Classification: Pathogenic for Immunodeficiency-centromeric instability-facial anomalies syndrome 2. Last evaluated: 2025-10-06. Review status: criteria provided, single submitter. Criteria: Invitae Variant Classification Sherloc (09022015). Collection method: clinical testing. Allele origin: germline.
Comment: This sequence change creates a premature translational stop signal (p.Ser336Leufs*46) in the ZBTB24 gene. It is expected to result in an absent or disrupted protein product. Loss-of-function variants in ZBTB24 are known to be pathogenic (PMID: 21596365). This variant is present in population databases (no rsID available, gnomAD 0.0009%). This variant has not been reported in the literature in individuals affected with ZBTB24-related conditions. For these reasons, this variant has been classified as Pathogenic.

Literature cited by the submitters: PubMed 21596365.